The following is an entry in ClinVar:

ClinVar aggregate classification (germline): Uncertain significance (1 of 4 stars; one submission).

Conditions:
Leukocyte adhesion deficiency 1 (LAD1). Also called: LEUKOCYTE ADHESION DEFICIENCY, TYPE I; LAD 1; Lymphocyte function-associated antigen 1 immunodeficiency; LFA 1 immunodeficiency. Identifiers: Orphanet 2968, Orphanet 99842, MedGen C0398738, MONDO:0007293, OMIM 116920.

Submission:

Labcorp Genetics (formerly Invitae), Labcorp
Classification: Uncertain significance for Leukocyte adhesion deficiency 1. Last evaluated: 2025-05-26. Review status: criteria provided, single submitter. Criteria: Invitae Variant Classification Sherloc (09022015). Collection method: clinical testing. Allele origin: germline.
Comment: This sequence change replaces methionine, which is neutral and non-polar, with lysine, which is basic and polar, at codon 133 of the ITGB2 protein (p.Met133Lys). This variant is not present in population databases (gnomAD no frequency). This variant has not been reported in the literature in individuals affected with ITGB2-related conditions. Invitae Evidence Modeling of protein sequence and biophysical properties (such as structural, functional, and spatial information, amino acid conservation, physicochemical variation, residue mobility, and thermodynamic stability) has been performed for this missense variant. However, the output from this modeling did not meet the statistical confidence thresholds required to predict the impact of this variant on ITGB2 protein function. In summary, the available evidence is currently insufficient to determine the role of this variant in disease. Therefore, it has been classified as a Variant of Uncertain Significance.

NM_000211.5(ITGB2):c.398T>A (p.Met133Lys)

Gene: ITGB2 (integrin subunit beta 2; minus strand). Cytogenetic location: 21q22.3.
Variant type: single nucleotide variant.
Coding change: c.398T>A on transcript NM_000211.5 (MANE Select); coding-DNA position 398, T replaced by A.
Protein change: p.Met133Lys; replaces methionine 133 with lysine.
Molecular consequence: missense variant.
Genome position (GRCh38, 1-based): chr21:44,903,466, A>T on the plus strand (T>A on the coding strand, the complement: ITGB2 is on the minus strand). VCF-style: chr21-44903466-A-T. GRCh37 (hg19) VCF-style: chr21-46323381-A-T.
Other names: c.398T>A, p.Met133Lys (NM_001127491.3); c.191T>A, p.Met64Lys (NM_001303238.2); short protein forms M133K, M64K.
Identifiers: ClinVar variation 4761944 (VCV004761944.1).
Genomic context (GRCh38, chr21:44,903,466, plus strand): 5'-AGGTCGCCACCTAGCTTCTTGACATTCCTGAGGTCATCAAGCATGGAGTAGGAGAGGTCC[A>T]TCAGATAGTACAGGTCGATGGGGTAGCCCTTGGCCCGCCGGAAGGTCACGTTGAACGCTG-3'
Protein context (NP_000202.3, residues 123-143): KGYPIDLYYL[Met133Lys]DLSYSMLDDL